The following is an entry in ClinVar:

NM_001323289.2(CDKL5):c.2152+2T>G

Gene: CDKL5 (cyclin dependent kinase like 5; plus strand). Cytogenetic location: Xp22.13.
Variant type: single nucleotide variant.
Coding change: c.2152+2T>G on transcript NM_001323289.2 (MANE Select); the canonical splice donor site of the intron after coding-DNA position 2152, T replaced by G.
Molecular consequence: splice donor variant.
Genome position (GRCh38, 1-based): chrX:18,609,572, T>G. VCF-style: chrX-18609572-T-G. GRCh37 (hg19) VCF-style: chrX-18627692-T-G.
Other names: c.2152+2T>G (NM_003159.3, NM_001037343.2).
Identifiers: ClinVar variation 2011106 (VCV002011106.4), dbSNP rs2518881309, ClinGen allele CA412366776.

ClinVar aggregate classification (germline): Pathogenic (1 of 4 stars; one submission).

Conditions:
Developmental and epileptic encephalopathy, 2 (DEE2). Also called: INFANTILE SPASM SYNDROME, X-LINKED 2; CDKL5 deficiency disorder. Identifiers: Orphanet 1934, Orphanet 3451, Orphanet 505652, MedGen C4750718, MONDO:0010396, OMIM 300672.
Angelman syndrome-like. Identifiers: MedGen CN128785.

Submission:

Labcorp Genetics (formerly Invitae), Labcorp
Classification: Pathogenic for Developmental and epileptic encephalopathy, 2; Angelman syndrome-like. Last evaluated: 2023-07-14. Review status: criteria provided, single submitter. Criteria: Invitae Variant Classification Sherloc (09022015). Collection method: clinical testing. Allele origin: germline.
Comment: ClinVar contains an entry for this variant (Variation ID: 2011106). Disruption of this splice site has been observed in individual(s) with CDKL5-related conditions (PMID: 27599155; Invitae). In at least one individual the variant was observed to be de novo. This variant is not present in population databases (gnomAD no frequency). This sequence change affects a donor splice site in intron 14 of the CDKL5 gene. It is expected to disrupt RNA splicing. Variants that disrupt the donor or acceptor splice site typically lead to a loss of protein function (PMID: 16199547), and loss-of-function variants in CDKL5 are known to be pathogenic (PMID: 22872100). Algorithms developed to predict the effect of sequence changes on RNA splicing suggest that this variant may disrupt the consensus splice site. For these reasons, this variant has been classified as Pathogenic.

Literature cited by the submitters: PubMed 27599155; PubMed 16199547; PubMed 22872100.